The following is an entry in ClinVar:

ClinVar aggregate classification (germline): Uncertain significance. Review status: criteria provided, multiple submitters, no conflicts (2 of 4 stars). 2 submissions from 2 submitters: Uncertain significance (2). Last evaluated 2024-09-09.

Conditions:
LAMB2-related infantile-onset nephrotic syndrome. Also called: Nephrotic Syndrome, type 5; NEPHROTIC SYNDROME, TYPE 5, WITHOUT OCULAR ABNORMALITIES; NEPHROTIC SYNDROME, TYPE 5, WITH OCULAR ABNORMALITIES. Identifiers: Orphanet 306507, MedGen C3280113, MONDO:0013621, OMIM 614199.
Pierson syndrome. Also called: MICROCORIA-CONGENITAL NEPHROTIC SYNDROME. Identifiers: Orphanet 2670, MedGen C1836876, MONDO:0012184, OMIM 609049.
Inborn genetic diseases. Identifiers: MedGen C0950123, MeSH D030342.

Allele frequency attached by ClinVar (database versions not stated): TOPMed below 0.00001.

Submissions (2):

Ambry Genetics
Classification: Uncertain significance for Inborn genetic diseases. Last evaluated: 2024-09-09. Review status: criteria provided, single submitter. Criteria: Ambry Variant Classification Scheme 2023. Collection method: clinical testing. Allele origin: germline.

Labcorp Genetics (formerly Invitae), Labcorp
Classification: Uncertain significance for LAMB2-related infantile-onset nephrotic syndrome; Pierson syndrome. Last evaluated: 2023-12-21. Review status: criteria provided, single submitter. Criteria: Invitae Variant Classification Sherloc (09022015). Collection method: clinical testing. Allele origin: germline.
Comment: This sequence change replaces valine, which is neutral and non-polar, with alanine, which is neutral and non-polar, at codon 478 of the LAMB2 protein (p.Val478Ala). This variant is not present in population databases (gnomAD no frequency). This variant has not been reported in the literature in individuals affected with LAMB2-related conditions. ClinVar contains an entry for this variant (Variation ID: 1908486). An algorithm developed to predict the effect of missense changes on protein structure and function (PolyPhen-2) suggests that this variant is likely to be disruptive. In summary, the available evidence is currently insufficient to determine the role of this variant in disease. Therefore, it has been classified as a Variant of Uncertain Significance.

NM_002292.4(LAMB2):c.1433T>C (p.Val478Ala)

Gene: LAMB2 (laminin subunit beta 2; minus strand). Cytogenetic location: 3p21.31.
Variant type: single nucleotide variant.
Coding change: c.1433T>C on transcript NM_002292.4 (MANE Select); coding-DNA position 1433, T replaced by C.
Protein change: p.Val478Ala; replaces valine 478 with alanine.
Molecular consequence: missense variant.
Genome position (GRCh38, 1-based): chr3:49,129,689, A>G on the plus strand (T>C on the coding strand, the complement: LAMB2 is on the minus strand). VCF-style: chr3-49129689-A-G. GRCh37 (hg19) VCF-style: chr3-49167122-A-G.
Other names: c.1433T>C (NM_002292.3); short protein forms V478A.
Identifiers: ClinVar variation 1908486 (VCV001908486.6), dbSNP rs1487416436, ClinGen allele CA352737194.